The following is an entry in ClinVar:

NM_001142800.2(EYS):c.2194C>T (p.Gln732Ter)

Gene: EYS (EGF-like photoreceptor maintenance factor; minus strand). Cytogenetic location: 6q12.
Variant type: single nucleotide variant.
Coding change: c.2194C>T on transcript NM_001142800.2 (MANE Select); coding-DNA position 2194, C replaced by T.
Protein change: p.Gln732Ter; replaces glutamine 732 with a stop codon.
Molecular consequence: nonsense.
Genome position (GRCh38, 1-based): chr6:64,997,647, G>A on the plus strand (C>T on the coding strand, the complement: EYS is on the minus strand). VCF-style: chr6-64997647-G-A. GRCh37 (hg19) VCF-style: chr6-65707540-G-A.
Other names: c.2194C>T, p.Gln732Ter (NM_001292009.2); short protein forms Q732*.
Identifiers: ClinVar variation 194358 (VCV000194358.19), dbSNP rs794727120, ClinGen allele CA275001.

ClinVar aggregate classification (germline): Pathogenic/Likely pathogenic. Review status: criteria provided, multiple submitters, no conflicts (2 of 4 stars). 8 submissions from 8 submitters: Pathogenic (6); Likely pathogenic (1). 1 of the submissions does not count toward it. Last evaluated 2024-05-14.

Conditions:
Retinitis pigmentosa (RP). Identifiers: Orphanet 791, MedGen C0035334, MeSH D012174, MONDO:0019200, OMIM 268000. Inheritance: Autosomal dominant, autosomal recessive and X linked inheritance.
EYS-related disorder. Also called: EYS-related condition.
Retinitis pigmentosa 25 (RP25). Identifiers: Orphanet 791, MedGen C1864446, MONDO:0011272, OMIM 602772.

Allele frequency attached by ClinVar (database versions not stated): TOPMed 0.00001.
gnomAD v4.1: 12 of 1,551,136 alleles (0.00077%); highest among the groups gnomAD compares: Non-Finnish European, 0.001%; no homozygotes.

Submissions (8):

Myriad Genetics, Inc.
Classification: Pathogenic for Retinitis pigmentosa 25. Last evaluated: 2024-05-14. Review status: criteria provided, single submitter. Criteria: Myriad Autosomal Dominant, Autosomal Recessive and X-Linked Classification Criteria (2023). Collection method: clinical testing. Allele origin: unknown.
Comment: NM_001142800.1(EYS):c.2194C>T(Q732*) is expected to be pathogenic in the context of retinitis pigmentosa, EYS-related. This variant is predicted to lead to an abnormal or absent protein product due to the creation of a premature termination codon in EYS, a gene where loss-of-function variants are known to be pathogenic. Please note: this variant was assessed in the context of healthy population screening.

Blueprint Genetics
Classification: Pathogenic for EYS-related disorders. Last evaluated: 2023-10-24. Review status: criteria provided, single submitter. Criteria: ACMG Guidelines, 2015. Collection method: clinical testing. Allele origin: germline. Affected: yes. Observed: 3 variant alleles.

Labcorp Genetics (formerly Invitae), Labcorp
Classification: Pathogenic. Last evaluated: 2023-05-31. Review status: criteria provided, single submitter. Criteria: Invitae Variant Classification Sherloc (09022015). Collection method: clinical testing. Allele origin: germline.
Comment: This sequence change creates a premature translational stop signal (p.Gln732*) in the EYS gene. It is expected to result in an absent or disrupted protein product. Loss-of-function variants in EYS are known to be pathogenic (PMID: 18836446, 20333770). This variant is not present in population databases (gnomAD no frequency). This premature translational stop signal has been observed in individual(s) with retinitis pigmentosa (PMID: 23591405). ClinVar contains an entry for this variant (Variation ID: 194358). For these reasons, this variant has been classified as Pathogenic.

Baylor Genetics
Classification: Pathogenic for Retinitis pigmentosa 25. Last evaluated: 2023-05-10. Review status: criteria provided, single submitter. Criteria: ACMG Guidelines, 2015. Collection method: clinical testing. Allele origin: unknown.

Fulgent Genetics
Classification: Pathogenic for Retinitis pigmentosa 25. Last evaluated: 2021-12-15. Review status: criteria provided, single submitter. Criteria: ACMG Guidelines, 2015. Collection method: clinical testing. Allele origin: unknown.

Broad Center for Mendelian Genomics, Broad Institute of MIT and Harvard
Classification: Likely pathogenic for Retinitis pigmentosa. Last evaluated: 2021-04-01. Review status: criteria provided, single submitter. Criteria: ACMG Guidelines, 2015. Collection method: curation. Allele origin: germline. Inheritance: Autosomal recessive inheritance. Affected: yes.
Comment: Through a review of available evidence we were able to apply the following criteria: PVS1, PM2. Based on this evidence we have classified this variant as Likely Pathogenic. If you have any questions about the classification please reach out to the Pierce Lab.

Eurofins Ntd Llc (ga)
Classification: Pathogenic. Last evaluated: 2015-01-20. Review status: criteria provided, single submitter. Criteria: EGL Classification Definitions 2015. Collection method: clinical testing. Allele origin: germline. Observed: 1 variant allele, 1 heterozygote.

Natera, Inc.
Classification: Pathogenic for Retinitis pigmentosa type 25. Last evaluated: 2021-04-16. Review status: no assertion criteria provided. Collection method: clinical testing. Allele origin: germline. Not counted in ClinVar's aggregate classification.

Literature cited by the submitters: PubMed 18836446 (cited by Labcorp Genetics (formerly Invitae), Labcorp); PubMed 20333770 (cited by Labcorp Genetics (formerly Invitae), Labcorp); PubMed 23591405 (cited by Labcorp Genetics (formerly Invitae), Labcorp and Eurofins Ntd Llc (ga)); PubMed 34906470 (cited by Broad Center for Mendelian Genomics, Broad Institute of MIT and Harvard).